The following is an entry in ClinVar:

ClinVar aggregate classification (germline): Uncertain significance (1 of 4 stars; one submission).

Conditions:
Developmental and epileptic encephalopathy, 31A. Also called: Epileptic encephalopathy, early infantile, 31; Developmental and epileptic encephalopathy, 31. Identifiers: Orphanet 2382, MedGen C4225357, MONDO:0014598, OMIM 616346.

Allele frequency attached by ClinVar (database versions not stated): gnomAD exomes below 0.00001; gnomAD 0.00001; TOPMed below 0.00001.
gnomAD v4.1: 4 of 1,511,856 alleles (0.00026%); highest among the groups gnomAD compares: East Asian, 0.0057%; no homozygotes.

Submission:

Labcorp Genetics (formerly Invitae), Labcorp
Classification: Uncertain significance for Developmental and epileptic encephalopathy, 31A. Last evaluated: 2023-09-21. Review status: criteria provided, single submitter. Criteria: Invitae Variant Classification Sherloc (09022015). Collection method: clinical testing. Allele origin: germline.
Comment: This sequence change replaces arginine, which is basic and polar, with histidine, which is basic and polar, at codon 4 of the DNM1 protein (p.Arg4His). This variant is not present in population databases (gnomAD no frequency). This variant has not been reported in the literature in individuals affected with DNM1-related conditions. Advanced modeling of protein sequence and biophysical properties (such as structural, functional, and spatial information, amino acid conservation, physicochemical variation, residue mobility, and thermodynamic stability) has been performed at Invitae for this missense variant, however the output from this modeling did not meet the statistical confidence thresholds required to predict the impact of this variant on DNM1 protein function. In summary, the available evidence is currently insufficient to determine the role of this variant in disease. Therefore, it has been classified as a Variant of Uncertain Significance.

NM_004408.4(DNM1):c.11G>A (p.Arg4His)

Genes: CIZ1 (CDKN1A interacting zinc finger protein 1; minus strand), DNM1 (dynamin 1; plus strand). Cytogenetic location: 9q34.11.
Variant type: single nucleotide variant.
Coding change: c.11G>A on transcript NM_004408.4 (MANE Select); coding-DNA position 11, G replaced by A.
Protein change: p.Arg4His; replaces arginine 4 with histidine.
Molecular consequence: missense variant. On other transcripts: intron variant (2).
Genome position (GRCh38, 1-based): chr9:128,203,481, G>A. VCF-style: chr9-128203481-G-A. GRCh37 (hg19) VCF-style: chr9-130965760-G-A.
Other names: c.11G>A, p.Arg4His (NM_001005336.3, NM_001288737.2, NM_001288738.2 and 2 more transcripts); c.-6+705C>T (NM_001131015.2, NM_012127.3); short protein forms R4H.
Identifiers: ClinVar variation 2915858 (VCV002915858.1), dbSNP rs1833612913, ClinGen allele CA375006181.